The following is an entry in ClinVar:

ClinVar aggregate classification (germline): Uncertain significance (1 of 4 stars; one submission).

Conditions:
Charcot-Marie-Tooth disease, axonal, Type 2HH. Also called: CHARCOT-MARIE-TOOTH NEUROPATHY, TYPE 2HH. Identifiers: MedGen C5562003, MONDO:0030458, OMIM 619574.
Tetralogy of Fallot (TOF). Identifiers: Orphanet 3303, MedGen C0039685, MONDO:0008542, OMIM 187500, HP:0001636.
Deafness, congenital heart defects, and posterior embryotoxon (DCHE). Identifiers: MedGen C1866053, MONDO:0060713, OMIM 617992.
Alagille syndrome due to a JAG1 point mutation. Also called: Alagille Syndrome 1; HEPATIC DUCTULAR HYPOPLASIA, SYNDROMATIC; JAG1-Related Alagille Syndrome. Identifiers: Orphanet 261619, Orphanet 52, MedGen C1956125, MONDO:0016862, OMIM 118450.

Submission:

Juno Genomics, Hangzhou Juno Genomics, Inc
Classification: Uncertain significance for Tetralogy of Fallot; Deafness, congenital heart defects, and posterior embryotoxon; Alagille syndrome due to a JAG1 point mutation; Charcot-Marie-Tooth disease, axonal, Type 2HH. Review status: criteria provided, single submitter. Criteria: ACMG Guidelines, 2015. Collection method: clinical testing. Allele origin: germline.
Comment: Absent from controls (or at extremely low frequency if recessive) in Genome Aggregation Database.;Missense variant in a gene that has a low rate of benign missense variation.;Multiple lines of computational evidence support a deleterious effect on the gene or gene product.

NM_000214.3(JAG1):c.2270G>T (p.Gly757Val)

Gene: JAG1 (jagged canonical Notch ligand 1; minus strand). Cytogenetic location: 20p12.2.
Variant type: single nucleotide variant.
Coding change: c.2270G>T on transcript NM_000214.3 (MANE Select); coding-DNA position 2270, G replaced by T.
Protein change: p.Gly757Val; replaces glycine 757 with valine.
Molecular consequence: missense variant.
Genome position (GRCh38, 1-based): chr20:10,644,937, C>A on the plus strand (G>T on the coding strand, the complement: JAG1 is on the minus strand). VCF-style: chr20-10644937-C-A. GRCh37 (hg19) VCF-style: chr20-10625585-C-A.
Other names: short protein forms G757V.
Identifiers: ClinVar variation 5006352 (VCV005006352.2).
Genomic context (GRCh38, chr20:10,644,937, plus strand): 5'-GGCCCCTCCCAGCCTTCCTTGCAGACGCACGTAAAGGACTCGCCGTTGACCACACATGTG[C>A]CCCCATTATGGCAGGGGTTGGGCAGGCAGCTACTGTTTCGGGCTATAAAAGAAGAGCAGA-3'
Protein context (NP_000205.1, residues 747-767): SCLPNPCHNG[Gly757Val]TCVVNGESFT